The following is an entry in ClinVar:

NM_002617.4(PEX10):c.806G>A (p.Arg269Lys)

Gene: PEX10 (peroxisomal biogenesis factor 10; minus strand). Cytogenetic location: 1p36.32.
Variant type: single nucleotide variant.
Coding change: c.806G>A on transcript NM_002617.4 (MANE Select); coding-DNA position 806, G replaced by A.
Protein change: p.Arg269Lys; replaces arginine 269 with lysine.
Molecular consequence: missense variant. On other transcripts: non-coding transcript variant (1).
Genome position (GRCh38, 1-based): chr1:2,406,590, C>T on the plus strand (G>A on the coding strand, the complement: PEX10 is on the minus strand). VCF-style: chr1-2406590-C-T. GRCh37 (hg19) VCF-style: chr1-2338029-C-T.
Other names: c.863G>A, p.Arg288Lys (NM_001374425.1); c.431G>A, p.Arg144Lys (NM_001374426.1); c.374G>A, p.Arg125Lys (NM_001374427.1); c.866G>A, p.Arg289Lys (NM_153818.2); short protein forms R144K, R269K, R125K, R288K, R289K.
Identifiers: ClinVar variation 5003399 (VCV005003399.1).

ClinVar aggregate classification (germline): Uncertain significance (1 of 4 stars; one submission).

Conditions:
Peroxisome biogenesis disorder. Identifiers: Orphanet 79189, MedGen C1832200, MONDO:0019234. Disease mechanism: loss of function.

Submission:

Myriad Genetics, Inc.
Classification: Uncertain significance for Peroxisome biogenesis disorder. Last evaluated: 2026-03-26. Review status: criteria provided, single submitter. Criteria: Myriad Autosomal Dominant, Autosomal Recessive and X-Linked Classification Criteria (2023). Collection method: clinical testing. Allele origin: unknown.
Comment: NM_153818.1(PEX10):c.866G>A(R289K) is a missense variant classified as a variant of uncertain significance in the context of peroxisome biogenesis disorder type 6. R289K has not been observed in cases with relevant disease. Relevant functional assessments of this variant are not available in the literature. R289K has not been observed in referenced population frequency databases. In summary, there is insufficient evidence to classify NM_153818.1(PEX10):c.866G>A(R289K) as pathogenic or benign. Please note: this variant was assessed in the context of healthy population screening.